The following is an entry in ClinVar:

ClinVar aggregate classification (germline): Conflicting classifications of pathogenicity. Review status: criteria provided, conflicting classifications (1 of 4 stars). 8 submissions from 8 submitters: Uncertain significance (3); Likely benign (4). 1 of the submissions does not count toward it. Last evaluated 2026-03-26.

Conditions:
TRAPPC9-related disorder. Also called: TRAPPC9-related condition.
Inborn genetic diseases. Identifiers: MedGen C0950123, MeSH D030342.
Intellectual developmental disorder, autosomal recessive 13. Also called: Intellectual disability, autosomal recessive 13. Identifiers: Orphanet 88616, MedGen C2750791, MONDO:0013173, OMIM 613192.

Allele frequency attached by ClinVar (database versions not stated): gnomAD exomes 0.00009 and 0.00020; ExAC 0.00028; 1000 Genomes Project 0.00040; 1000 Genomes Project 30x 0.00047; gnomAD 0.00052 and 0.00056; ESP Exome Variant Server 0.00054; TOPMed 0.00057.

Submissions (8):

Women's Health and Genetics/Laboratory Corporation of America, LabCorp
Classification: Likely benign. Last evaluated: 2026-03-26. Review status: criteria provided, single submitter. Criteria: LabCorp Variant Classification Summary - May 2015. Collection method: clinical testing. Allele origin: germline.
Comment: Variant summary: TRAPPC9 c.3175G>A (p.Ala1059Thr) results in a non-conservative amino acid change in the encoded protein sequence. Algorithms developed to predict the effect of missense changes on protein structure and function are either unavailable or do not agree on the potential impact of this missense change. The variant allele was found at a frequency of 0.00014 in 1605768 control chromosomes, predominantly at a frequency of 0.0016 within the African or African-American subpopulation in the gnomAD database, including 1 homozygote. This frequency exceeds the estimated maximum pathogenic allele frequency for disease-causing variants in TRAPPC9, providing evidence for benign. Further, at least 1 homozygous control has been reported in the gnomAD v4 database, which is not consistent with the early onset/severe presentation of TRAPPC9-related conditions. To our knowledge, no occurrence of c.3175G>A in individuals affected with TRAPPC9-related conditions and no experimental evidence demonstrating its impact on protein function have been reported. ClinVar contains an entry for this variant (Variation ID: 212432). Based on the evidence outlined above, the variant was classified as likely benign.

Blueprint Genetics
Classification: Likely benign. Last evaluated: 2024-11-27. Review status: criteria provided, single submitter. Criteria: ACMG Guidelines, 2015. Collection method: clinical testing. Allele origin: germline.

Labcorp Genetics (formerly Invitae), Labcorp
Classification: Uncertain significance. Last evaluated: 2024-01-22. Review status: criteria provided, single submitter. Criteria: Invitae Variant Classification Sherloc (09022015). Collection method: clinical testing. Allele origin: germline.
Comment: This sequence change replaces alanine, which is neutral and non-polar, with threonine, which is neutral and polar, at codon 1157 of the TRAPPC9 protein (p.Ala1157Thr). This variant is present in population databases (rs150200902, gnomAD 0.1%). This variant has not been reported in the literature in individuals affected with TRAPPC9-related conditions. ClinVar contains an entry for this variant (Variation ID: 212432). An algorithm developed to predict the effect of missense changes on protein structure and function (PolyPhen-2) suggests that this variant is likely to be disruptive. In summary, the available evidence is currently insufficient to determine the role of this variant in disease. Therefore, it has been classified as a Variant of Uncertain Significance.

Ambry Genetics
Classification: Likely benign for Inborn genetic diseases. Last evaluated: 2021-04-08. Review status: criteria provided, single submitter. Criteria: Ambry Variant Classification Scheme 2023. Collection method: clinical testing. Allele origin: germline.

GeneDx
Classification: Likely benign. Last evaluated: 2019-01-29. Review status: criteria provided, single submitter. Criteria: GeneDx Variant Classification Process June 2021. Collection method: clinical testing. Allele origin: germline. Affected: yes.

Fulgent Genetics
Classification: Uncertain significance for Intellectual developmental disorder, autosomal recessive 13. Last evaluated: 2018-10-31. Review status: criteria provided, single submitter. Criteria: ACMG Guidelines, 2015. Collection method: clinical testing. Allele origin: unknown.

Genetic Services Laboratory, University of Chicago
Classification: Uncertain significance. Last evaluated: 2015-02-26. Review status: criteria provided, single submitter. Criteria: ACMG Guidelines, 2015. Collection method: clinical testing. Allele origin: germline.

PreventionGenetics, part of Exact Sciences
Classification: Uncertain significance for TRAPPC9-related condition. Last evaluated: 2024-07-05. Review status: no assertion criteria provided. Collection method: clinical testing. Allele origin: germline. Not counted in ClinVar's aggregate classification.
Comment: The TRAPPC9 c.3469G>A variant is predicted to result in the amino acid substitution p.Ala1157Thr. To our knowledge, this variant has not been reported in the literature. This variant is reported in 0.15% of alleles in individuals of African descent in gnomAD. Although we suspect that this variant may be benign, at this time, the clinical significance of this variant is uncertain due to the absence of conclusive functional and genetic evidence.

NM_001160372.4(TRAPPC9):c.3175G>A (p.Ala1059Thr)

Gene: TRAPPC9 (trafficking protein particle complex subunit 9; minus strand). Cytogenetic location: 8q24.3.
Variant type: single nucleotide variant.
Coding change: c.3175G>A on transcript NM_001160372.4 (MANE Select); coding-DNA position 3175, G replaced by A.
Protein change: p.Ala1059Thr; replaces alanine 1059 with threonine.
Molecular consequence: missense variant. On other transcripts: non-coding transcript variant (1).
Genome position (GRCh38, 1-based): chr8:139,732,083, C>T on the plus strand (G>A on the coding strand, the complement: TRAPPC9 is on the minus strand). VCF-style: chr8-139732083-C-T. GRCh37 (hg19) VCF-style: chr8-140744326-C-T.
Other names: c.3469G>A (NM_031466.7); c.3148G>A, p.Ala1050Thr (NM_001321646.2); c.3196G>A, p.Ala1066Thr (NM_001374682.1); c.3064G>A, p.Ala1022Thr (NM_001374683.1); c.3031G>A, p.Ala1011Thr (NM_001374684.1); c.3175G>A, p.Ala1059Thr (NM_031466.8); short protein forms A1059T, A1050T, A1011T, A1022T, A1066T.
Identifiers: ClinVar variation 212432 (VCV000212432.24), dbSNP rs150200902, ClinGen allele CA208413.